The following is an entry in ClinVar:

ClinVar aggregate classification (germline): Uncertain significance (1 of 4 stars; one submission).

Conditions:
Symmetrical dyschromatosis of extremities (DSH). Also called: DYSCHROMATOSIS SYMMETRICA HEREDITARIA 1; RETICULATE ACROPIGMENTATION OF DOHI; SYMMETRIC DYSCHROMATOSIS OF THE EXTREMITIES; Dyschromatosis symmetrica hereditaria. Identifiers: Orphanet 41, MedGen C0406775, MONDO:0007483, OMIM 127400.
Aicardi-Goutieres syndrome 6 (AGS6). Identifiers: Orphanet 51, MedGen C3539013, MONDO:0014007, OMIM 615010.

Submission:

Labcorp Genetics (formerly Invitae), Labcorp
Classification: Uncertain significance for Aicardi-Goutieres syndrome 6; Symmetrical dyschromatosis of extremities. Last evaluated: 2022-03-01. Review status: criteria provided, single submitter. Criteria: Invitae Variant Classification Sherloc (09022015). Collection method: clinical testing. Allele origin: germline.
Comment: This sequence change replaces valine, which is neutral and non-polar, with isoleucine, which is neutral and non-polar, at codon 77 of the ADAR protein (p.Val77Ile). In summary, the available evidence is currently insufficient to determine the role of this variant in disease. Therefore, it has been classified as a Variant of Uncertain Significance. Algorithms developed to predict the effect of missense changes on protein structure and function are either unavailable or do not agree on the potential impact of this missense change (SIFT: "Deleterious"; PolyPhen-2: "Benign"; Align-GVGD: "Class C0"). This variant has not been reported in the literature in individuals affected with ADAR-related conditions. This variant is not present in population databases (gnomAD no frequency).

NM_001111.5(ADAR):c.229G>A (p.Val77Ile)

Gene: ADAR (adenosine deaminase RNA specific; minus strand). Cytogenetic location: 1q21.3.
Variant type: single nucleotide variant.
Coding change: c.229G>A on transcript NM_001111.5 (MANE Select); coding-DNA position 229, G replaced by A.
Protein change: p.Val77Ile; replaces valine 77 with isoleucine.
Molecular consequence: missense variant. On other transcripts: 5 prime UTR variant (6).
Genome position (GRCh38, 1-based): chr1:154,602,413, C>T on the plus strand (G>A on the coding strand, the complement: ADAR is on the minus strand). VCF-style: chr1-154602413-C-T. GRCh37 (hg19) VCF-style: chr1-154574889-C-T.
Other names: c.-657G>A (NM_001025107.3, NM_001193495.2, NM_001365048.1); c.256G>A, p.Val86Ile (NM_001365045.1); c.-521G>A (NM_001365046.1, NM_001365047.1, NM_001365049.1); c.229G>A, p.Val77Ile (NM_015840.4, NM_015841.4); short protein forms V86I, V77I.
Identifiers: ClinVar variation 2105218 (VCV002105218.4), dbSNP rs2526669934, ClinGen allele CA342605566.